The following is an entry in ClinVar:

ClinVar aggregate classification (germline): Uncertain significance. Review status: criteria provided, multiple submitters, no conflicts (2 of 4 stars). 2 submissions from 2 submitters: Uncertain significance (2). Last evaluated 2021-09-29.

Conditions:
Bethlem myopathy 1A. Also called: MYOPATHY, BENIGN CONGENITAL, WITH CONTRACTURES; Bethlem myopathy 1; Bethlem Muscular Dystrophy. Identifiers: Orphanet 610, MedGen CN029274, MONDO:0024530, OMIM 158810.

Allele frequency attached by ClinVar (database versions not stated): gnomAD 0.00001.
gnomAD v4.1: 2 of 1,613,774 alleles (0.00012%); highest among the groups gnomAD compares: Non-Finnish European, 0.00017%; no homozygotes.

Submissions (2):

Labcorp Genetics (formerly Invitae), Labcorp
Classification: Uncertain significance for Bethlem myopathy 1A. Last evaluated: 2021-09-29. Review status: criteria provided, single submitter. Criteria: Invitae Variant Classification Sherloc (09022015). Collection method: clinical testing. Allele origin: germline.
Comment: This variant is not present in population databases (ExAC no frequency). This sequence change replaces glycine with serine at codon 1039 of the COL6A3 protein (p.Gly1039Ser). The glycine residue is highly conserved and there is a small physicochemical difference between glycine and serine. This variant has not been reported in the literature in individuals affected with COL6A3-related conditions. In summary, the available evidence is currently insufficient to determine the role of this variant in disease. Therefore, it has been classified as a Variant of Uncertain Significance. Algorithms developed to predict the effect of missense changes on protein structure and function output the following: SIFT: "Deleterious"; PolyPhen-2: "Possibly Damaging"; Align-GVGD: "Class C0". The serine amino acid residue is found in multiple mammalian species, which suggests that this missense change does not adversely affect protein function.

Revvity Omics, Revvity
Classification: Uncertain significance. Last evaluated: 2021-04-29. Review status: criteria provided, single submitter. Criteria: ACMG Guidelines, 2015. Collection method: clinical testing. Allele origin: germline.

NM_004369.4(COL6A3):c.3115G>A (p.Gly1039Ser)

Gene: COL6A3 (collagen type VI alpha 3 chain; minus strand). Cytogenetic location: 2q37.3.
Variant type: single nucleotide variant.
Coding change: c.3115G>A on transcript NM_004369.4 (MANE Select); coding-DNA position 3115, G replaced by A.
Protein change: p.Gly1039Ser; replaces glycine 1039 with serine.
Molecular consequence: missense variant.
Genome position (GRCh38, 1-based): chr2:237,374,976, C>T on the plus strand (G>A on the coding strand, the complement: COL6A3 is on the minus strand). VCF-style: chr2-237374976-C-T. GRCh37 (hg19) VCF-style: chr2-238283619-C-T.
Other names: c.1894G>A, p.Gly632Ser (NM_057164.5); c.2497G>A, p.Gly833Ser (NM_057165.5, NM_057167.4); c.1294G>A, p.Gly432Ser (NM_057166.5); short protein forms G1039S, G432S, G632S, G833S.
Identifiers: ClinVar variation 1521349 (VCV001521349.8), dbSNP rs1465296993, ClinGen allele CA351205817.